The following is an entry in ClinVar:

ClinVar aggregate classification (germline): Pathogenic (1 of 4 stars; one submission).

Conditions:
Hereditary breast ovarian cancer syndrome. Also called: Hereditary breast and ovarian cancer syndrome; Hereditary breast and ovarian cancer syndrome (HBOC); Breast and ovarian cancer; BRCA1- and BRCA2-Associated Hereditary Breast and Ovarian Cancer; Hereditary breast and/or ovarian cancer syndrome; Hereditary breast and ovarian cancer. Identifiers: Orphanet 145, MedGen C0677776, MeSH D061325, MONDO:0003582. Disease mechanism: loss of function.

Submission:

Labcorp Genetics (formerly Invitae), Labcorp
Classification: Pathogenic for Hereditary breast ovarian cancer syndrome. Last evaluated: 2025-05-23. Review status: criteria provided, single submitter. Criteria: Invitae Variant Classification Sherloc (09022015). Collection method: clinical testing. Allele origin: germline.
Comment: This sequence change creates a premature translational stop signal (p.Leu2069Argfs*8) in the BRCA2 gene. It is expected to result in an absent or disrupted protein product. Loss-of-function variants in BRCA2 are known to be pathogenic (PMID: 20104584). This variant is not present in population databases (gnomAD no frequency). This variant has not been reported in the literature in individuals affected with BRCA2-related conditions. For these reasons, this variant has been classified as Pathogenic.

Literature cited by the submitters: PubMed 20104584.

NM_000059.4(BRCA2):c.6205_6206del (p.Leu2069fs)

Gene: BRCA2 (BRCA2 DNA repair associated; plus strand). Cytogenetic location: 13q13.1.
Variant type: Deletion.
Coding change: c.6205_6206del on transcript NM_000059.4 (MANE Select); coding-DNA positions 6205 to 6206, 2 bases deleted (TT; older notation c.6205_6206delTT).
Protein change: p.Leu2069fs; shifts the reading frame from leucine 2069.
Molecular consequence: frameshift variant. On other transcripts: non-coding transcript variant (1), intron variant (2).
Genome position (GRCh38, 1-based): chr13:32,340,560-32,340,561, TT deleted; deleting any 2 consecutive bases within chr13:32,340,558-32,340,561 gives the same sequence; the c. name uses the placement nearest the transcript's 3' end. VCF-style (leftmost placement, unchanged base first): chr13-32340557-ATT-A. GRCh37 (hg19) VCF-style: chr13-32914694-ATT-A.
Other names: c.6205_6206del, p.Leu2069fs (NM_001406719.1, NM_001406720.1, NM_001432077.1); c.1910-3998_1910-3997del (NM_001406721.1); c.425-3998_425-3997del (NM_001406722.1); short protein forms L2069fs.
Identifiers: ClinVar variation 4717858 (VCV004717858.1).